The following is an entry in ClinVar:

ClinVar aggregate classification (germline): Uncertain significance (1 of 4 stars; one submission).

Submission:

Labcorp Genetics (formerly Invitae), Labcorp
Classification: Uncertain significance. Last evaluated: 2022-07-06. Review status: criteria provided, single submitter. Criteria: Invitae Variant Classification Sherloc (09022015). Collection method: clinical testing. Allele origin: germline.
Comment: In summary, the available evidence is currently insufficient to determine the role of this variant in disease. Therefore, it has been classified as a Variant of Uncertain Significance. Variants that disrupt the consensus splice site are a relatively common cause of aberrant splicing (PMID: 17576681, 9536098). Algorithms developed to predict the effect of sequence changes on RNA splicing suggest that this variant may disrupt the consensus splice site. Algorithms developed to predict the effect of missense changes on protein structure and function (SIFT, PolyPhen-2, Align-GVGD) all suggest that this variant is likely to be tolerated. This variant has not been reported in the literature in individuals affected with OCA2-related conditions. This variant is present in population databases (no rsID available, gnomAD 0.01%). This sequence change replaces arginine, which is basic and polar, with lysine, which is basic and polar, at codon 76 of the OCA2 protein (p.Arg76Lys). This variant also falls at the last nucleotide of exon 2, which is part of the consensus splice site for this exon.

Literature cited by the submitters: PubMed 17576681; PubMed 9536098.

NM_000275.3(OCA2):c.227G>A (p.Arg76Lys)

Gene: OCA2 (OCA2 melanosomal transmembrane protein; minus strand). Cytogenetic location: 15q13.1.
Variant type: single nucleotide variant.
Coding change: c.227G>A on transcript NM_000275.3 (MANE Select); coding-DNA position 227, G replaced by A.
Protein change: p.Arg76Lys; replaces arginine 76 with lysine.
Molecular consequence: missense variant.
Genome position (GRCh38, 1-based): chr15:28,081,648, C>T on the plus strand (G>A on the coding strand, the complement: OCA2 is on the minus strand). VCF-style: chr15-28081648-C-T. GRCh37 (hg19) VCF-style: chr15-28326794-C-T.
Other names: c.227G>A, p.Arg76Lys (NM_001300984.2); short protein forms R76K.
Identifiers: ClinVar variation 2014333 (VCV002014333.2), dbSNP rs1367553457, ClinGen allele CA391366514.